The following is an entry in ClinVar:

ClinVar aggregate classification (germline): Benign (1 of 4 stars; one submission).

Conditions:
Peutz-Jeghers syndrome (PJS). Also called: POLYPOSIS, HAMARTOMATOUS INTESTINAL; POLYPS-AND-SPOTS SYNDROME; Peutz-Jeghers polyposis; Periorificial lentiginosis syndrome. Identifiers: Orphanet 2869, MedGen C0031269, MeSH D010580, MONDO:0008280, OMIM 175200.

Submission:

Myriad Genetics, Inc.
Classification: Benign for Peutz-Jeghers syndrome. Last evaluated: 2025-03-25. Review status: criteria provided, single submitter. Criteria: Myriad Autosomal Dominant, Autosomal Recessive and X-Linked Classification Criteria (2023). Collection method: clinical testing. Allele origin: unknown.
Comment: This variant is considered benign. This variant is a silent/synonymous amino acid change and it is not expected to impact splicing.

NM_000455.5(STK11):c.285G>A (p.Val95=)

Gene: STK11 (serine/threonine kinase 11; plus strand). Cytogenetic location: 19p13.3.
Variant type: single nucleotide variant.
Coding change: c.285G>A on transcript NM_000455.5 (MANE Select); coding-DNA position 285, G replaced by A.
Protein change: p.Val95=; no amino-acid change (valine 95 retained).
Molecular consequence: synonymous variant. On other transcripts: non-coding transcript variant (1).
Genome position (GRCh38, 1-based): chr19:1,207,198, G>A. VCF-style: chr19-1207198-G-A. GRCh37 (hg19) VCF-style: chr19-1207197-G-A.
Other names: c.285G>A, p.Val95= (NM_001407255.1).
Identifiers: ClinVar variation 3903977 (VCV003903977.1).